The following is an entry in ClinVar:

ClinVar aggregate classification (germline): Uncertain significance (1 of 4 stars; one submission).

Conditions:
KIDINS220-related disorder. Also called: KIDINS220-related condition.

Submission:

PreventionGenetics, part of Exact Sciences
Classification: Uncertain significance for KIDINS220-related condition. Last evaluated: 2025-11-28. Review status: criteria provided, single submitter. Criteria: ACMG Guidelines, 2015. Collection method: clinical testing. Allele origin: germline.
Comment: The KIDINS220 c.4363_4364delinsAT variant is predicted to result in an in-frame deletion and insertion. To our knowledge, this variant has not been reported in the literature or in a large population database (gnomAD), indicating this variant is rare. At this time, the clinical significance of this variant is uncertain due to the absence of conclusive functional and genetic evidence.

NM_020738.4(KIDINS220):c.4363_4364delinsAT (p.Gly1455Ile)

Gene: KIDINS220 (kinase D interacting substrate 220; minus strand). Cytogenetic location: 2p25.1.
Variant type: Indel.
Coding change: c.4363_4364delinsAT on transcript NM_020738.4 (MANE Select); coding-DNA positions 4363 to 4364, GG replaced by AT.
Protein change: p.Gly1455Ile; replaces glycine 1455 with isoleucine.
Molecular consequence: missense variant. On other transcripts: intron variant (6).
Genome position (GRCh38, 1-based): chr2:8,731,672-8,731,673, CC replaced by AT on the plus strand (GG replaced by AT on the coding strand, the reverse complement: KIDINS220 is on the minus strand). VCF-style: chr2-8731672-CC-AT. GRCh37 (hg19) VCF-style: chr2-8871802-CC-AT.
Other names: c.4366_4367delinsAT, p.Gly1456Ile (NM_001348729.2); c.4309_4310delinsAT, p.Gly1437Ile (NM_001348731.2); c.4306_4307delinsAT, p.Gly1436Ile (NM_001348732.2); c.4195_4196delinsAT, p.Gly1399Ile (NM_001348734.2); c.4192_4193delinsAT, p.Gly1398Ile (NM_001348735.2); c.4066_4067delinsAT, p.Gly1356Ile (NM_001348736.2); c.3882+1771_3882+1772delinsAT (NM_001348741.2, NM_001348742.2, NM_001348743.2); c.3996+1771_3996+1772delinsAT (NM_001348738.2); and 1 more; short protein forms G1398I, G1399I, G1456I, G1437I, G1455I, G1356I, G1436I.
Identifiers: ClinVar variation 4991116 (VCV004991116.1).